The following is an entry in ClinVar:

ClinVar aggregate classification (germline): Benign/Likely benign. Review status: criteria provided, multiple submitters, no conflicts (2 of 4 stars). 3 submissions from 2 submitters: Benign (2); Likely benign (1). Last evaluated 2018-01-13.

Conditions:
Congenital multicore myopathy with external ophthalmoplegia (CMYO1B). Also called: MULTICORE MYOPATHY; Minicore myopathy with external ophthalmoplegia; Congenital myopathy 1B, autosomal recessive; Minicore myopathy; MULTIMINICORE DISEASE WITH EXTERNAL OPHTHALMOPLEGIA. Identifiers: Orphanet 598, Orphanet 98905, MedGen C1850674, MONDO:0009712, OMIM 255320, HP:0003789.
Malignant hyperthermia, susceptibility to, 1 (MHS1). Also called: Anesthesia related hyperthermia; Malignant hyperpyrexia; Fulminating hyperpyrexia; Pharmacogenic myopathy; RYR1-Related Malignant Hyperthermia Susceptibility; Malignant hyperthermia suceptibility 1. Identifiers: Orphanet 423, MedGen C2930980, MONDO:0007783, OMIM 145600.

Allele frequency attached by ClinVar (database versions not stated): gnomAD 0.00121 and 0.00171; TOPMed 0.00148; gnomAD exomes 0.00191; 1000 Genomes Project 0.00719; 1000 Genomes Project 30x 0.00734.
gnomAD v4.1: 1,534 of 823,520 alleles (0.19%); highest among the groups gnomAD compares: East Asian, 2.6%; 20 homozygotes.

Submissions (3):

Illumina Laboratory Services, Illumina
Classification: Benign for Congenital multicore myopathy with external ophthalmoplegia. Last evaluated: 2018-01-13. Review status: criteria provided, single submitter. Criteria: ICSL Variant Classification Criteria 13 December 2019. Collection method: clinical testing. Allele origin: germline.
Comment: This variant was observed in the ICSL laboratory as part of a predisposition screen in an ostensibly healthy population. It had not been previously curated by ICSL or reported in the Human Gene Mutation Database (HGMD: prior to June 1st, 2018), and was therefore a candidate for classification through an automated scoring system. Utilizing variant allele frequency, disease prevalence and penetrance estimates, and inheritance mode, an automated score was calculated to assess if this variant is too frequent to cause the disease. Based on the score and internal cut-off values, a variant classified as benign is not then subjected to further curation. The score for this variant resulted in a classification of benign for this disease.

Illumina Laboratory Services, Illumina
Classification: Benign for Malignant hyperthermia, susceptibility to, 1. Last evaluated: 2018-01-13. Review status: criteria provided, single submitter. Criteria: ICSL Variant Classification Criteria 13 December 2019. Collection method: clinical testing. Allele origin: germline.
Comment: the same text as in the submission from Illumina Laboratory Services, Illumina above.

Breakthrough Genomics
Classification: Likely benign. Review status: criteria provided, single submitter. Criteria: ACMG Guidelines, 2015. Collection method: not provided. Allele origin: germline. Inheritance: Autosomal recessive inheritance. Affected: yes.

NM_000540.3(RYR1):c.-102C>T

Gene: RYR1 (ryanodine receptor 1; plus strand). Cytogenetic location: 19q13.2.
Variant type: single nucleotide variant.
Coding change: c.-102C>T on transcript NM_000540.3 (MANE Select); 102 bases upstream of the start codon, C replaced by T.
Molecular consequence: 5 prime UTR variant.
Genome position (GRCh38, 1-based): chr19:38,433,728, C>T. VCF-style: chr19-38433728-C-T. GRCh37 (hg19) VCF-style: chr19-38924368-C-T.
Other names: c.-102C>T (NM_001042723.2).
Identifiers: ClinVar variation 328985 (VCV000328985.7), dbSNP rs190259953, ClinGen allele CA10652410.
Genomic context (GRCh38, chr19:38,433,728, plus strand): 5'-TGTCCAGCATGCGTGTACTCCTCGCAGTTCCATCTACCTCGCGGGTGCCTCTGGTGTCTC[C>T]AGAGGTCTCCGACCCCAGCCCGCCCCCAGCCCTCCCGCCCAGCCCGCAGCCCCCTCCCTC-3'